The following is an entry in ClinVar:

ClinVar aggregate classification (germline): Uncertain significance (1 of 4 stars; one submission).

Conditions:
Spastic paraplegia. Identifiers: MedGen C0037772, HP:0001258.

gnomAD v4.1: 7 of 1,613,842 alleles (0.00043%); highest among the groups gnomAD compares: African/African-American, 0.0013%; no homozygotes.

Submission:

Labcorp Genetics (formerly Invitae), Labcorp
Classification: Uncertain significance for Spastic paraplegia. Last evaluated: 2025-11-17. Review status: criteria provided, single submitter. Criteria: Invitae Variant Classification Sherloc (09022015). Collection method: clinical testing. Allele origin: germline.
Comment: This sequence change replaces valine, which is neutral and non-polar, with methionine, which is neutral and non-polar, at codon 613 of the KIF5A protein (p.Val613Met). This variant is not present in population databases (gnomAD no frequency). This variant has not been reported in the literature in individuals affected with KIF5A-related conditions. Invitae Evidence Modeling of protein sequence and biophysical properties (such as structural, functional, and spatial information, amino acid conservation, physicochemical variation, residue mobility, and thermodynamic stability) indicates that this missense variant is not expected to disrupt KIF5A protein function with a negative predictive value of 95%. In summary, the available evidence is currently insufficient to determine the role of this variant in disease. Therefore, it has been classified as a Variant of Uncertain Significance.

NM_004984.4(KIF5A):c.1837G>A (p.Val613Met)

Gene: KIF5A (kinesin family member 5A; plus strand). Cytogenetic location: 12q13.3.
Variant type: single nucleotide variant.
Coding change: c.1837G>A on transcript NM_004984.4 (MANE Select); coding-DNA position 1837, G replaced by A.
Protein change: p.Val613Met; replaces valine 613 with methionine.
Molecular consequence: missense variant.
Genome position (GRCh38, 1-based): chr12:57,575,204, G>A. VCF-style: chr12-57575204-G-A. GRCh37 (hg19) VCF-style: chr12-57968987-G-A.
Other names: c.1570G>A, p.Val524Met (NM_001354705.2); short protein forms V524M, V613M.
Identifiers: ClinVar variation 4804013 (VCV004804013.1).
Genomic context (GRCh38, chr12:57,575,204, plus strand): 5'-AAAATCAAATCAGAAGTCAAGTCTGTGGTCAAGCGGTGCCGGCAGCTGGAGAACCTCCAG[G>A]TGGAGTGTCACCGCAAGATGGAAGTGACCGGGCGGGAGCTCTCATCCTGCCAGCTCCTCA-3'
Protein context (NP_004975.2, residues 603-623): KRCRQLENLQ[Val613Met]ECHRKMEVTG